The following is an entry in ClinVar:

ClinVar aggregate classification (germline): Benign/Likely benign. Review status: criteria provided, multiple submitters, no conflicts (2 of 4 stars). 25 submissions from 23 submitters: Benign (10); Likely benign (9). 6 of the submissions do not count toward it. Last evaluated 2026-02-03.

Conditions:
MYH7-related disorder. Also called: MYH7-related condition; MYH7-related disease; MYH7-related disorders.
Hypertrophic cardiomyopathy 1 (CMH1). Also called: Familial hypertrophic cardiomyopathy 1; MYH7-Related Familial Hypertrophic Cardiomyopathy. Identifiers: MedGen C3495498, MONDO:0008647, OMIM 192600.
Myopathy, myosin storage, autosomal recessive (CMYO7B). Also called: CONGENITAL MYOPATHY 7B, MYOSIN STORAGE, AUTOSOMAL RECESSIVE. Identifiers: Orphanet 636970, MedGen C1850709, MONDO:0009708, OMIM 255160.
Myosin storage myopathy (CMYO7A). Also called: MYOPATHY WITH LYSIS OF TYPE I MYOFIBRILS; MYOPATHY, HYALINE BODY, AUTOSOMAL DOMINANT; SCAPULOPERONEAL MUSCULAR DYSTROPHY; SCAPULOPERONEAL SYNDROME, MYOPATHIC TYPE; MYH7-related late-onset scapuloperoneal muscular dystrophy; Congenital myopathy 7A, myosin storage, autosomal dominant. Identifiers: Orphanet 437572, Orphanet 636965, MedGen C1842160, MONDO:0008409, OMIM 608358.
Dilated cardiomyopathy 1S (CMD1S). Identifiers: Orphanet 154, Orphanet 54260, MedGen C1834481, MONDO:0013262, OMIM 613426.
MYH7-related skeletal myopathy. Also called: Myopathy, distal, 1; Laing distal myopathy; MYOPATHY, DISTAL, EARLY-ONSET, AUTOSOMAL DOMINANT; MYOPATHY, LATE DISTAL HEREDITARY; Laing early-onset distal myopathy. Identifiers: Orphanet 59135, MedGen C4552004, MONDO:0008050, OMIM 160500.
Congenital myopathy with fiber type disproportion. Also called: Congenital fiber-type disproportion myopathy; Congenital fiber-type disproportion. Identifiers: Orphanet 2020, MedGen C0546264, MONDO:0009711. Inheritance: all.
Cardiovascular phenotype. Identifiers: MedGen CN230736.
Cardiomyopathy (CMYO). Also called: Cardiomyopathies. Identifiers: Orphanet 167848, MedGen C0878544, MONDO:0004994, HP:0001638. Inheritance: Various modes of inheritance.
Hypertrophic cardiomyopathy. Also called: HYPERTROPHIC MYOCARDIOPATHY. Identifiers: Orphanet 217569, MedGen C0007194, MeSH D002312, MONDO:0005045, HP:0001639.

Allele frequency attached by ClinVar (database versions not stated): ExAC 0.00780; 1000 Genomes Project 30x 0.00016; gnomAD 0.00090 and 0.00098; gnomAD exomes 0.00107.
gnomAD v4.1: 1,056 of 1,599,966 alleles (0.066%); highest among the groups gnomAD compares: African/African-American, 0.34%; 1 homozygote.

Submissions (25):

Labcorp Genetics (formerly Invitae), Labcorp
Classification: Likely benign for Hypertrophic cardiomyopathy. Last evaluated: 2026-02-03. Review status: criteria provided, single submitter. Criteria: Invitae Variant Classification Sherloc (09022015). Collection method: clinical testing. Allele origin: germline.

ARUP Laboratories, Molecular Genetics and Genomics, ARUP Laboratories
Classification: Benign. Last evaluated: 2025-07-22. Review status: criteria provided, single submitter. Criteria: ARUP Molecular Germline Variant Investigation Process 2024. Collection method: clinical testing. Allele origin: germline.

Molecular Diagnostic Laboratory for Inherited Cardiovascular Disease, Montreal Heart Institute
Classification: Likely benign. Last evaluated: 2025-04-09. Review status: criteria provided, single submitter. Criteria: ACMG Guidelines, 2015. Collection method: clinical testing. Allele origin: germline. Affected: no.

Blueprint Genetics
Classification: Likely benign. Last evaluated: 2024-11-26. Review status: criteria provided, single submitter. Criteria: ACMG Guidelines, 2015. Collection method: clinical testing. Allele origin: germline.

Mayo Clinic Laboratories, Mayo Clinic
Classification: Likely benign. Last evaluated: 2024-10-23. Review status: criteria provided, single submitter. Criteria: ACMG Guidelines, 2015. Collection method: clinical testing. Allele origin: germline. Observed: 47 variant alleles.
Comment: BS1, BP4, BP7

All of Us Research Program, National Institutes of Health
Classification: Likely benign for Cardiomyopathy. Last evaluated: 2024-02-05. Review status: criteria provided, single submitter. Criteria: ACMG Guidelines, 2015. Collection method: clinical testing. Allele origin: germline. Inheritance: Autosomal dominant inheritance. Observed: 57 variant alleles, 57 heterozygotes.
Comment: This study involves interpretation of variants in research participants for the purpose of population health screening. Participant phenotype was not available at the time of variant classification. Additional details can be found in publication PMID: 35346344, PMCID: PMC8962531

CeGaT Center for Human Genetics Tuebingen
Classification: Likely benign. Last evaluated: 2023-04-01. Review status: criteria provided, single submitter. Criteria: CeGaT Center For Human Genetics Tuebingen Variant Classification Criteria Version 2. Collection method: clinical testing. Allele origin: germline. Affected: yes. Observed: 5 variant alleles.
Comment: MYH7: BP4, BP7

Fulgent Genetics
Classification: Benign for MYH7-related skeletal myopathy; Myosin storage myopathy; Hypertrophic cardiomyopathy 1; Myopathy, myosin storage, autosomal recessive; Congenital myopathy 4A, autosomal dominant; Dilated cardiomyopathy 1S. Last evaluated: 2021-07-26. Review status: criteria provided, single submitter. Criteria: ACMG Guidelines, 2015. Collection method: clinical testing. Allele origin: unknown.

Women's Health and Genetics/Laboratory Corporation of America, LabCorp
Classification: Benign. Last evaluated: 2019-12-14. Review status: criteria provided, single submitter. Criteria: LabCorp Variant Classification Summary - May 2015. Collection method: clinical testing. Allele origin: germline.

Color Diagnostics, LLC DBA Color Health
Classification: Likely benign for Cardiomyopathy. Last evaluated: 2018-04-13. Review status: criteria provided, single submitter. Criteria: ACMG Guidelines, 2015. Collection method: clinical testing. Allele origin: germline.

Illumina Laboratory Services, Illumina
Classification: Benign for Hypertrophic cardiomyopathy 1. Last evaluated: 2018-01-13. Review status: criteria provided, single submitter. Criteria: ICSL Variant Classification Criteria 13 December 2019. Collection method: clinical testing. Allele origin: germline.
Comment: This variant was observed in the ICSL laboratory as part of a predisposition screen in an ostensibly healthy population. It had not been previously curated by ICSL or reported in the Human Gene Mutation Database (HGMD: prior to June 1st, 2018), and was therefore a candidate for classification through an automated scoring system. Utilizing variant allele frequency, disease prevalence and penetrance estimates, and inheritance mode, an automated score was calculated to assess if this variant is too frequent to cause the disease. Based on the score and internal cut-off values, a variant classified as benign is not then subjected to further curation. The score for this variant resulted in a classification of benign for this disease.

Illumina Laboratory Services, Illumina
Classification: Benign for Myosin storage myopathy. Last evaluated: 2018-01-13. Review status: criteria provided, single submitter. Criteria: ICSL Variant Classification Criteria 13 December 2019. Collection method: clinical testing. Allele origin: germline.
Comment: the same text as in the submission from Illumina Laboratory Services, Illumina above.

Illumina Laboratory Services, Illumina
Classification: Benign for MYH7-related skeletal myopathy. Last evaluated: 2018-01-13. Review status: criteria provided, single submitter. Criteria: ICSL Variant Classification Criteria 13 December 2019. Collection method: clinical testing. Allele origin: germline.
Comment: the same text as in the submission from Illumina Laboratory Services, Illumina above.

CHEO Genetics Diagnostic Laboratory, Children's Hospital of Eastern Ontario
Classification: Benign for Cardiomyopathy. Last evaluated: 2016-03-09. Review status: criteria provided, single submitter. Criteria: ACMG Guidelines, 2015. Collection method: clinical testing. Allele origin: germline. Study: Canadian Open Genetics Repository.

Ambry Genetics
Classification: Benign for Cardiovascular phenotype. Last evaluated: 2015-07-08. Review status: criteria provided, single submitter. Criteria: Ambry Variant Classification Scheme 2023. Collection method: clinical testing. Allele origin: germline.

Laboratory for Molecular Medicine, Mass General Brigham Personalized Medicine
Classification: Benign. Last evaluated: 2015-04-08. Review status: criteria provided, single submitter. Criteria: LMM Criteria. Collection method: clinical testing. Allele origin: germline. Observed: 18 variant alleles.
Comment: p.Asp1602Asp in exon 34 of MYH7: This variant is not expected to have clinical s ignificance because it has been identified in 5.9% (584/9952) of African chromos omes by the Exome Aggregation Consortium (ExAC; dbSNP rs142034311).

GeneDx
Classification: Benign. Last evaluated: 2015-03-03. Review status: criteria provided, single submitter. Criteria: GeneDx Variant Classification Process June 2021. Collection method: clinical testing. Allele origin: germline. Affected: yes.

Eurofins Ntd Llc (ga)
Classification: Likely benign. Last evaluated: 2014-08-14. Review status: criteria provided, single submitter. Criteria: EGL Classification Definitions 2015. Collection method: clinical testing. Allele origin: germline.

Breakthrough Genomics
Classification: Likely benign. Review status: criteria provided, single submitter. Criteria: ACMG Guidelines, 2015. Collection method: not provided. Allele origin: germline. Inheritance: Autosomal recessive inheritance. Affected: yes.

PreventionGenetics, part of Exact Sciences
Classification: Benign for MYH7-related condition. Last evaluated: 2020-01-02. Review status: no assertion criteria provided. Collection method: clinical testing. Allele origin: germline. Not counted in ClinVar's aggregate classification.
Comment: This variant is classified as benign based on ACMG/AMP sequence variant interpretation guidelines (Richards et al. 2015 PMID: 25741868, with internal and published modifications).

Clinical Genetics DNA and cytogenetics Diagnostics Lab, Erasmus MC, Erasmus Medical Center
Classification: Likely benign. Review status: no assertion criteria provided. Collection method: clinical testing. Allele origin: germline. Affected: yes. Study: VKGL Data-share Consensus. Not counted in ClinVar's aggregate classification.

Clinical Genetics, Academic Medical Center
Classification: Benign. Review status: no assertion criteria provided. Collection method: clinical testing. Allele origin: germline. Affected: yes. Study: VKGL Data-share Consensus. Not counted in ClinVar's aggregate classification.

Diagnostic Laboratory, Department of Genetics, University Medical Center Groningen
Classification: Likely benign. Review status: no assertion criteria provided. Collection method: clinical testing. Allele origin: germline. Affected: yes. Study: VKGL Data-share Consensus. Not counted in ClinVar's aggregate classification.

Joint Genome Diagnostic Labs from Nijmegen and Maastricht, Radboudumc and MUMC+
Classification: Benign. Review status: no assertion criteria provided. Collection method: clinical testing. Allele origin: germline. Affected: yes. Study: VKGL Data-share Consensus. Not counted in ClinVar's aggregate classification.

Laboratory of Diagnostic Genome Analysis, Leiden University Medical Center (LUMC)
Classification: Likely benign. Review status: no assertion criteria provided. Collection method: clinical testing. Allele origin: germline. Affected: yes. Study: VKGL Data-share Consensus. Not counted in ClinVar's aggregate classification.

Literature cited by the submitters: PubMed 15556047 (cited by Women's Health and Genetics/Laboratory Corporation of America, LabCorp).

NM_000257.4(MYH7):c.4806C>T (p.Asp1602=)

Genes: MYH7 (myosin heavy chain 7; minus strand), MHRT (myosin heavy chain associated RNA transcript; plus strand), LOC126861897 (BRD4-independent group 4 enhancer GRCh37_chr14:23884455-23885654; plus strand). Cytogenetic location: 14q11.2.
Variant type: single nucleotide variant.
Coding change: c.4806C>T on transcript NM_000257.4 (MANE Select); coding-DNA position 4806, C replaced by T.
Protein change: p.Asp1602=; no amino-acid change (aspartic acid 1602 retained).
Molecular consequence: synonymous variant. On other transcripts: non-coding transcript variant (1).
Genome position (GRCh38, 1-based): chr14:23,416,151, G>A on the plus strand (C>T on the coding strand, the complement: MYH7 is on the minus strand). VCF-style: chr14-23416151-G-A. GRCh37 (hg19) VCF-style: chr14-23885360-G-A.
Other names: p.Asp1602=.
Identifiers: ClinVar variation 43037 (VCV000043037.81), dbSNP rs142034311, ClinGen allele CA015322.